The following is an entry in ClinVar:

NM_001018111.3(PODXL):c.367C>T (p.Pro123Ser)

Gene: PODXL (podocalyxin like; minus strand). Cytogenetic location: 7q32.3.
Variant type: single nucleotide variant.
Coding change: c.367C>T on transcript NM_001018111.3 (MANE Select); coding-DNA position 367, C replaced by T.
Protein change: p.Pro123Ser; replaces proline 123 with serine.
Molecular consequence: missense variant.
Genome position (GRCh38, 1-based): chr7:131,511,167, G>A on the plus strand (C>T on the coding strand, the complement: PODXL is on the minus strand). VCF-style: chr7-131511167-G-A. GRCh37 (hg19) VCF-style: chr7-131195926-G-A.
Other names: c.367C>T, p.Pro123Ser (NM_005397.4); short protein forms P123S.
Identifiers: ClinVar variation 4775672 (VCV004775672.1).

ClinVar aggregate classification (germline): Uncertain significance (1 of 4 stars; one submission).

gnomAD v4.1: 1 of 1,613,994 alleles (0.000062%); highest among the groups gnomAD compares: Non-Finnish European, 0.000085%; no homozygotes.

Submission:

Labcorp Genetics (formerly Invitae), Labcorp
Classification: Uncertain significance. Last evaluated: 2025-11-03. Review status: criteria provided, single submitter. Criteria: Invitae Variant Classification Sherloc (09022015). Collection method: clinical testing. Allele origin: germline.
Comment: This sequence change replaces proline, which is neutral and non-polar, with serine, which is neutral and polar, at codon 123 of the PODXL protein (p.Pro123Ser). This variant is not present in population databases (gnomAD no frequency). This variant has not been reported in the literature in individuals affected with PODXL-related conditions. An algorithm developed to predict the effect of missense changes on protein structure and function outputs the following: PolyPhen-2: "Benign". The serine amino acid residue is found in multiple mammalian species, which suggests that this missense change does not adversely affect protein function. In summary, the available evidence is currently insufficient to determine the role of this variant in disease. Therefore, it has been classified as a Variant of Uncertain Significance.